The following is an entry in ClinVar:

NM_144596.4(TTC8):c.1324A>G (p.Met442Val)

Gene: TTC8 (tetratricopeptide repeat domain 8; plus strand). Cytogenetic location: 14q31.3.
Variant type: single nucleotide variant.
Coding change: c.1324A>G on transcript NM_144596.4 (MANE Select); coding-DNA position 1324, A replaced by G.
Protein change: p.Met442Val; replaces methionine 442 with valine.
Molecular consequence: missense variant. On other transcripts: non-coding transcript variant (1).
Genome position (GRCh38, 1-based): chr14:88,872,429, A>G. VCF-style: chr14-88872429-A-G. GRCh37 (hg19) VCF-style: chr14-89338773-A-G.
Other names: c.1294A>G, p.Met432Val (NM_001366535.2, NM_198309.3); c.1204A>G, p.Met402Val (NM_001366536.2, NM_198310.3); c.1372A>G, p.Met458Val (NM_001288781.1); c.730A>G, p.Met244Val (NM_001288782.1); c.607A>G, p.Met203Val (NM_001288783.1); short protein forms M203V, M244V, M402V, M432V, M442V, M458V.
Identifiers: ClinVar variation 1006611 (VCV001006611.8), dbSNP rs1259630992, ClinGen allele CA390553370.
Genomic context (GRCh38, chr14:88,872,429, plus strand): 5'-CTGGCTCTGGTCAACAACAACAACCACGCCGAGGCCTACAACAACCTGGCTGTGCTGGAG[A>G]TGCGGAAGGGCCACGTTGAACAGGTCAGTGAACTGGCAGCGGCATGCTGGGCAGTCTGCT-3'
Protein context (NP_653197.2, residues 432-452): EAYNNLAVLE[Met442Val]RKGHVEQARA

ClinVar aggregate classification (germline): Uncertain significance (1 of 4 stars; one submission).

Conditions:
Bardet-Biedl syndrome (BBS). Identifiers: Orphanet 110, MedGen C0752166, MONDO:0015229.

Submission:

Labcorp Genetics (formerly Invitae), Labcorp
Classification: Uncertain significance for Bardet-Biedl syndrome. Last evaluated: 2021-03-02. Review status: criteria provided, single submitter. Criteria: Invitae Variant Classification Sherloc (09022015). Collection method: clinical testing. Allele origin: germline.
Comment: In summary, the available evidence is currently insufficient to determine the role of this variant in disease. Therefore, it has been classified as a Variant of Uncertain Significance. Algorithms developed to predict the effect of sequence changes on RNA splicing suggest that this variant may create or strengthen a splice site, but this prediction has not been confirmed by published transcriptional studies. Algorithms developed to predict the effect of missense changes on protein structure and function (SIFT, PolyPhen-2, Align-GVGD) all suggest that this variant is likely to be tolerated, but these predictions have not been confirmed by published functional studies and their clinical significance is uncertain. This variant has not been reported in the literature in individuals with TTC8-related conditions. This variant is not present in population databases (ExAC no frequency). This sequence change replaces methionine with valine at codon 432 of the TTC8 protein (p.Met432Val). The methionine residue is moderately conserved and there is a small physicochemical difference between methionine and valine.